The following is an entry in ClinVar:

NM_001022.4(RPS19):c.365A>G (p.Lys122Arg)

Genes: RPS19 (ribosomal protein S19; plus strand), RPS19-CD79A (RPS19-CD79A readthrough; plus strand). Cytogenetic location: 19q13.2.
Variant type: single nucleotide variant.
Coding change: c.365A>G on transcript NM_001022.4 (MANE Select); coding-DNA position 365, A replaced by G.
Protein change: p.Lys122Arg; replaces lysine 122 with arginine.
Molecular consequence: missense variant. On other transcripts: synonymous variant (1).
Genome position (GRCh38, 1-based): chr19:41,869,707, A>G. VCF-style: chr19-41869707-A-G. GRCh37 (hg19) VCF-style: chr19-42373777-A-G.
Other names: c.365A>G, p.Lys122Arg (NM_001321483.2, NM_001321484.2); c.378A>G, p.Gln126= (NM_001321485.2); short protein forms K122R.
Identifiers: ClinVar variation 2160302 (VCV002160302.5), dbSNP rs782437157, ClinGen allele CA9465424.

ClinVar aggregate classification (germline): Uncertain significance. Review status: criteria provided, multiple submitters, no conflicts (2 of 4 stars). 2 submissions from 2 submitters: Uncertain significance (2). Last evaluated 2023-09-20.

Conditions:
Diamond-Blackfan anemia. Also called: Blackfan Diamond syndrome; Aregenerative anemia chronic congenital; Red cell aplasia, pure hereditary; Congenital hypoplastic anemia; Aase syndrome. Identifiers: Orphanet 124, MedGen C1260899, MeSH D029503, MONDO:0015253, HP:0004810.

Allele frequency attached by ClinVar (database versions not stated): gnomAD exomes below 0.00001; ExAC 0.00001; gnomAD 0.00001; TOPMed 0.00001.
gnomAD v4.1: 5 of 1,614,032 alleles (0.00031%); highest among the groups gnomAD compares: East Asian, 0.0067%; no homozygotes.

Submissions (2):

Labcorp Genetics (formerly Invitae), Labcorp
Classification: Uncertain significance for Diamond-Blackfan anemia. Last evaluated: 2023-09-20. Review status: criteria provided, single submitter. Criteria: Invitae Variant Classification Sherloc (09022015). Collection method: clinical testing. Allele origin: germline.
Comment: This sequence change replaces lysine, which is basic and polar, with arginine, which is basic and polar, at codon 122 of the RPS19 protein (p.Lys122Arg). In summary, the available evidence is currently insufficient to determine the role of this variant in disease. Therefore, it has been classified as a Variant of Uncertain Significance. This variant is present in population databases (rs782437157, gnomAD 0.01%). This variant has not been reported in the literature in individuals affected with RPS19-related conditions. ClinVar contains an entry for this variant (Variation ID: 2160302). An algorithm developed to predict the effect of missense changes on protein structure and function (PolyPhen-2) suggests that this variant is likely to be tolerated.

Blueprint Genetics
Classification: Uncertain significance. Last evaluated: 2022-11-09. Review status: criteria provided, single submitter. Criteria: ACMG Guidelines, 2015. Collection method: clinical testing. Allele origin: germline.